The following is an entry in ClinVar:

ClinVar aggregate classification (germline): Conflicting classifications of pathogenicity. Review status: criteria provided, conflicting classifications (1 of 4 stars). 4 submissions from 4 submitters: Uncertain significance (2); Likely benign (1). 1 of the submissions does not count toward it. Last evaluated 2025-10-01.

Conditions:
PCDH15-related disorder. Also called: PCDH15-related condition; PCDH15-related disorders.
Usher syndrome type 1F (USH1F). Also called: USHER SYNDROME, TYPE IF. Identifiers: Orphanet 231169, Orphanet 886, MedGen C1865885, MONDO:0011186, OMIM 602083.

Allele frequency attached by ClinVar (database versions not stated): ExAC 0.00001; TOPMed 0.00002; gnomAD exomes 0.00001 and 0.00003.

Submissions (4):

Labcorp Genetics (formerly Invitae), Labcorp
Classification: Likely benign. Last evaluated: 2025-10-01. Review status: criteria provided, single submitter. Criteria: Invitae Variant Classification Sherloc (09022015). Collection method: clinical testing. Allele origin: germline.

PreventionGenetics, part of Exact Sciences
Classification: Uncertain significance for PCDH15-related condition. Last evaluated: 2025-09-12. Review status: criteria provided, single submitter. Criteria: ACMG Guidelines, 2015. Collection method: clinical testing. Allele origin: germline.
Comment: The PCDH15 c.4875_4894del20 variant is predicted to result in a frameshift and premature protein termination (p.Leu1626Phefs*11). To our knowledge, this variant has not been reported in the literature. This variant is reported in 0.020% of alleles in individuals of Latino descent in gnomAD. This variant occurs in the last exon of the PCDH15 alternatively spliced transcript known as CD1 (NM_033056), but this exon is not required for proper inner ear hair cell function and maintenance of hearing and is not included in the biologically relevant transcript for hearing loss known as CD2 (NM_001142769; Webb et al. 2011. PubMed ID: 21427143; Pepermans et al. 2014. PubMed ID: 24940003). Furthermore, loss of function variants in this exon of CD1 have been shown to occur at population frequencies inconsistent with pathogenicity (Perreault-Micale et al. 2014. PubMed ID: 25307757). Although we suspect that this variant may be benign, at this time, the clinical significance of this variant is uncertain due to the absence of conclusive functional and genetic evidence.

GeneDx
Classification: Uncertain significance. Last evaluated: 2025-01-24. Review status: criteria provided, single submitter. Criteria: GeneDx Variant Classification Process June 2021. Collection method: clinical testing. Allele origin: germline. Affected: yes.
Comment: Frameshift variant predicted to result in abnormal protein length as the last 330 amino acids are replaced with 10 different amino acids, and other similar variants have been reported in HGMD; Has not been previously published as pathogenic or benign to our knowledge

Counsyl
Classification: Uncertain significance for Usher syndrome type 1F. Last evaluated: 2017-12-28. Review status: no assertion criteria provided. Collection method: clinical testing. Allele origin: unknown. Not counted in ClinVar's aggregate classification.

NM_033056.4(PCDH15):c.4875_4894del (p.Leu1626fs)

Gene: PCDH15 (protocadherin related 15; minus strand). Cytogenetic location: 10q21.1.
Variant type: Deletion.
Coding change: c.4875_4894del on transcript NM_033056.4 (MANE Plus Clinical); coding-DNA positions 4875 to 4894, 20 bases deleted (GCTTACAACTGAAGAGGCAA).
Protein change: p.Leu1626fs; shifts the reading frame from leucine 1626.
Molecular consequence: frameshift variant. On other transcripts: intron variant (8).
Genome position (GRCh38, 1-based): chr10:53,822,832-53,822,851, TTGCCTCTTCAGTTGTAAGC deleted on the plus strand (GCTTACAACTGAAGAGGCAA on the coding strand, the reverse complement: PCDH15 is on the minus strand). VCF-style (leftmost placement, unchanged base first): chr10-53822831-TTTGCCTCTTCAGTTGTAAGC-T. GRCh37 (hg19) VCF-style: chr10-55582591-TTTGCCTCTTCAGTTGTAAGC-T.
Other names: c.4875_4894del20 (NM_033056.3); c.4896_4915del, p.Leu1633fs (NM_001142763.2); c.4881_4900del, p.Leu1628fs (NM_001142764.2); c.4668_4687del, p.Leu1557fs (NM_001142765.2); c.4866_4885del, p.Leu1623fs (NM_001142766.2); c.4755_4774del, p.Leu1586fs (NM_001142767.2); c.4815_4834del, p.Leu1606fs (NM_001142768.2); c.4806_4825del, p.Leu1603fs (NM_001142773.2); and 7 more; short protein forms L1603fs, L1604fs, L1606fs, L1586fs, L1623fs, L1626fs, L1628fs, L1557fs.
Identifiers: ClinVar variation 549968 (VCV000549968.16), dbSNP rs772393186, ClinGen allele CA5505172.
Genomic context (GRCh38, chr10:53,822,831, plus strand): 5'-TGTTCTGTTCCTTCTATCATCAGTGTTTCACCTTGCCTTATTTCCTCTTTCTCTGTCAAA[TTTGCCTCTTCAGTTGTAAGC>T]AATGGATTGCTGCTACCTCTTTTGTTTGTACAGATTCCAGTGTTTTCATTTTCAGCTTTC-3'